The following is an entry in ClinVar:

ClinVar aggregate classification (germline): Likely pathogenic. Review status: criteria provided, multiple submitters, no conflicts (2 of 4 stars). 2 submissions from 2 submitters: Likely pathogenic (2). Last evaluated 2025-03-24.

Conditions:
Dilated cardiomyopathy 1G (CMD1G). Identifiers: Orphanet 154, MedGen C1858763, MONDO:0011400, OMIM 604145.
Autosomal recessive limb-girdle muscular dystrophy type 2J (LGMDR10). Also called: MUSCULAR DYSTROPHY, LIMB-GIRDLE, AUTOSOMAL RECESSIVE 10; Limb-girdle muscular dystrophy, type 2J. Identifiers: Orphanet 140922, MedGen C1837342, MONDO:0012127, OMIM 608807.
TTN-related disorder. Also called: TTN-related condition; TTN-related disease; TTN-related disorders.

Submissions (2):

PreventionGenetics, part of Exact Sciences
Classification: Likely pathogenic for TTN-related condition. Last evaluated: 2025-03-24. Review status: criteria provided, single submitter. Criteria: ACMG Guidelines, 2015. Collection method: clinical testing. Allele origin: germline.
Comment: The TTN c.74536delG variant is predicted to result in a frameshift and premature protein termination (p.Val24846Leufs*23). To our knowledge, this variant has not been reported in the literature or in a large population database (gnomAD), indicating this variant is rare. This variant is located in the A-band region of the protein in which truncating TTN variants have been found more frequently in dilated cardiomyopathy patients than in controls (Herman et al. 2012. PubMed ID: 22335739). RNAseq studies from heart tissue indicate this exon is commonly included in TTN mRNA transcripts (PSI of 95%-100%); however, this analysis in muscle tissue was not performed (Roberts et al. 2015. PubMed ID: 25589632). TTN truncating variants are reported in 1-2% of presumably healthy individuals and occur more frequently in exons with low PSI values, indicating this variant is more likely to be disease causing (Herman et al. 2012. PubMed ID: 22335739; Roberts et al. 2015. PubMed ID: 25589632). This variant is interpreted as likely pathogenic for both autosomal dominant and autosomal recessive TTN-related disorders.

Labcorp Genetics (formerly Invitae), Labcorp
Classification: Likely pathogenic for Dilated cardiomyopathy 1G; Autosomal recessive limb-girdle muscular dystrophy type 2J. Last evaluated: 2022-12-25. Review status: criteria provided, single submitter. Criteria: Invitae Variant Classification Sherloc (09022015). Collection method: clinical testing. Allele origin: germline.
Comment: This sequence change creates a premature translational stop signal (p.Val24846Leufs*23) in the TTN gene. While this is not anticipated to result in nonsense mediated decay, it is expected to create a truncated TTN protein. This variant is not present in population databases (gnomAD no frequency). This variant has not been reported in the literature in individuals affected with TTN-related conditions. ClinVar contains an entry for this variant (Variation ID: 534992). This variant is located in the A band of TTN (PMID: 25589632). Truncating variants in this region are significantly overrepresented in patients affected with dilated cardiomyopathy (PMID: 25589632). Truncating variants in this region have also been reported in individuals affected with autosomal recessive centronuclear myopathy (PMID: 23975875). In summary, the currently available evidence indicates that the variant is pathogenic, but additional data are needed to prove that conclusively. Therefore, this variant has been classified as Likely Pathogenic.

Literature cited by the submitters: PubMed 25589632 (cited by Labcorp Genetics (formerly Invitae), Labcorp); PubMed 23975875 (cited by Labcorp Genetics (formerly Invitae), Labcorp).

NM_001267550.2(TTN):c.74536del (p.Val24846fs)

Genes: TTN (titin; minus strand), TTN-AS1 (TTN antisense RNA 1; plus strand). Cytogenetic location: 2q31.2.
Variant type: Deletion.
Coding change: c.74536del on transcript NM_001267550.2 (MANE Select); coding-DNA position 74536, one base deleted (G; older notation c.74536delG).
Protein change: p.Val24846fs; shifts the reading frame from valine 24846.
Molecular consequence: frameshift variant.
Genome position (GRCh38, 1-based): chr2:178,571,596, C deleted on the plus strand (G on the coding strand, the reverse complement: TTN is on the minus strand). VCF-style (leftmost placement, unchanged base first): chr2-178571595-AC-A. GRCh37 (hg19) VCF-style: chr2-179436322-AC-A.
Other names: c.69613del, p.Val23205fs (NM_001256850.1); c.47341del, p.Val15781fs (NM_003319.4); c.66832del, p.Val22278fs (NM_133378.4); c.47716del, p.Val15906fs (NM_133432.3); c.47917del, p.Val15973fs (NM_133437.4); c.74536delG (NM_001267550.2); short protein forms V15781fs, V15906fs, V15973fs, V22278fs, V23205fs, V24846fs.
Identifiers: ClinVar variation 534992 (VCV000534992.12), dbSNP rs1553605154, ClinGen allele CA658796033.